The following is an entry in ClinVar:

ClinVar aggregate classification (germline): Conflicting classifications of pathogenicity. Review status: criteria provided, conflicting classifications (1 of 4 stars). 6 submissions from 6 submitters: Uncertain significance (3); Likely benign (3). Last evaluated 2025-07-03.

Conditions:
Fanconi anemia (FA). Also called: Fanconi's anemia. Identifiers: Orphanet 84, MedGen C0015625, MeSH D005199, MONDO:0019391.
Fanconi anemia complementation group A (FANCA). Also called: Fanconi anemia, group A; FANCA-Related Fanconi Anemia. Identifiers: Orphanet 84, MedGen C3469521, MONDO:0009215, OMIM 227650.

Allele frequency attached by ClinVar (database versions not stated): gnomAD 0.00001 and 0.00003; gnomAD exomes 0.00003; TOPMed 0.00003; 1000 Genomes Project 30x 0.00016; 1000 Genomes Project 0.00020.
gnomAD v4.1: 41 of 1,610,978 alleles (0.0025%); highest among the groups gnomAD compares: Admixed American, 0.01%; no homozygotes.

Submissions (6):

Labcorp Genetics (formerly Invitae), Labcorp
Classification: Uncertain significance for Fanconi anemia. Last evaluated: 2025-07-03. Review status: criteria provided, single submitter. Criteria: Invitae Variant Classification Sherloc (09022015). Collection method: clinical testing. Allele origin: germline.
Comment: This sequence change replaces glycine, which is neutral and non-polar, with arginine, which is basic and polar, at codon 1489 of the FANCM protein (p.Gly1489Arg). This variant is present in population databases (rs183784665, gnomAD 0.009%). This missense change has been observed in individual(s) with breast and/or ovarian cancer (PMID: 29351780). ClinVar contains an entry for this variant (Variation ID: 803021). An algorithm developed to predict the effect of missense changes on protein structure and function outputs the following: PolyPhen-2: "Benign". The arginine amino acid residue is found in multiple mammalian species, which suggests that this missense change does not adversely affect protein function. In summary, the available evidence is currently insufficient to determine the role of this variant in disease. Therefore, it has been classified as a Variant of Uncertain Significance.

Blueprint Genetics
Classification: Likely benign. Last evaluated: 2024-10-08. Review status: criteria provided, single submitter. Criteria: ACMG Guidelines, 2015. Collection method: clinical testing. Allele origin: germline.

CeGaT Center for Human Genetics Tuebingen
Classification: Likely benign. Last evaluated: 2022-09-01. Review status: criteria provided, single submitter. Criteria: CeGaT Center For Human Genetics Tuebingen Variant Classification Criteria Version 2. Collection method: clinical testing. Allele origin: germline. Affected: yes. Observed: 1 variant allele.
Comment: FANCM: BP4

GeneDx
Classification: Uncertain significance. Last evaluated: 2020-09-08. Review status: criteria provided, single submitter. Criteria: GeneDx Variant Classification Process June 2021. Collection method: clinical testing. Allele origin: germline. Affected: yes.
Comment: Not observed at a significant frequency in large population cohorts (Lek et al., 2016); In silico analysis supports that this missense variant does not alter protein structure/function; Observed in individuals with a personal history of breast or ovarian cancer (Nguyen-Dumont 2018); This variant is associated with the following publications: (PMID: 29351780)

Revvity Omics, Revvity
Classification: Uncertain significance. Last evaluated: 2020-03-19. Review status: criteria provided, single submitter. Criteria: ACMG Guidelines, 2015. Collection method: clinical testing. Allele origin: germline.

Mendelics
Classification: Likely benign for Fanconi anemia complementation group A. Last evaluated: 2019-05-28. Review status: criteria provided, single submitter. Criteria: Mendelics Assertion Criteria 2017. Collection method: clinical testing. Allele origin: unknown.

Literature cited by the submitters: PubMed 29351780 (cited by Labcorp Genetics (formerly Invitae), Labcorp).

NM_020937.4(FANCM):c.4465G>A (p.Gly1489Arg)

Gene: FANCM (FA complementation group M; plus strand). Cytogenetic location: 14q21.2.
Variant type: single nucleotide variant.
Coding change: c.4465G>A on transcript NM_020937.4 (MANE Select); coding-DNA position 4465, G replaced by A.
Protein change: p.Gly1489Arg; replaces glycine 1489 with arginine.
Molecular consequence: missense variant.
Genome position (GRCh38, 1-based): chr14:45,183,852, G>A. VCF-style: chr14-45183852-G-A. GRCh37 (hg19) VCF-style: chr14-45653055-G-A.
Other names: c.4387G>A, p.Gly1463Arg (NM_001308133.2); short protein forms G1489R, G1463R.
Identifiers: ClinVar variation 803021 (VCV000803021.37), dbSNP rs183784665, ClinGen allele CA7169755.